The following is an entry in ClinVar:

ClinVar aggregate classification (germline): Conflicting classifications of pathogenicity. Review status: criteria provided, conflicting classifications (1 of 4 stars). 6 submissions from 6 submitters: Uncertain significance (1); Likely benign (4). 1 of the submissions does not count toward it. Last evaluated 2026-01-26.

Conditions:
Inborn genetic diseases. Identifiers: MedGen C0950123, MeSH D030342.
Cohen syndrome (COH1). Also called: Cutis verticis gyrata, retinitis pigmentosa, and sensorineural deafness; PEPPER SYNDROME. Identifiers: Orphanet 193, MedGen C0265223, MONDO:0008999, OMIM 216550.
VPS13B-related disorder. Also called: VPS13B-related condition.

Allele frequency attached by ClinVar (database versions not stated): 1000 Genomes Project 30x 0.00016; 1000 Genomes Project 0.00020; ESP Exome Variant Server 0.00023; gnomAD 0.00029; TOPMed 0.00038.
gnomAD v4.1: 131 of 1,613,816 alleles (0.0081%); highest among the groups gnomAD compares: African/African-American, 0.13%; no homozygotes.

Submissions (6):

Labcorp Genetics (formerly Invitae), Labcorp
Classification: Likely benign for Cohen syndrome. Last evaluated: 2026-01-26. Review status: criteria provided, single submitter. Criteria: Invitae Variant Classification Sherloc (09022015). Collection method: clinical testing. Allele origin: germline.

Blueprint Genetics
Classification: Likely benign. Last evaluated: 2024-11-06. Review status: criteria provided, single submitter. Criteria: ACMG Guidelines, 2015. Collection method: clinical testing. Allele origin: germline.

CeGaT Center for Human Genetics Tuebingen
Classification: Likely benign. Last evaluated: 2023-02-01. Review status: criteria provided, single submitter. Criteria: CeGaT Center For Human Genetics Tuebingen Variant Classification Criteria Version 2. Collection method: clinical testing. Allele origin: germline. Affected: yes. Observed: 1 variant allele.
Comment: VPS13B: BP4, BP7

Illumina Laboratory Services, Illumina
Classification: Uncertain significance for Cohen syndrome. Last evaluated: 2018-01-13. Review status: criteria provided, single submitter. Criteria: ICSL Variant Classification Criteria 13 December 2019. Collection method: clinical testing. Allele origin: germline.

Ambry Genetics
Classification: Likely benign for Inborn genetic diseases. Last evaluated: 2017-01-06. Review status: criteria provided, single submitter. Criteria: Ambry Variant Classification Scheme 2023. Collection method: clinical testing. Allele origin: germline.

PreventionGenetics, part of Exact Sciences
Classification: Likely benign for VPS13B-related condition. Last evaluated: 2020-01-02. Review status: no assertion criteria provided. Collection method: clinical testing. Allele origin: germline. Not counted in ClinVar's aggregate classification.
Comment: This variant is classified as likely benign based on ACMG/AMP sequence variant interpretation guidelines (Richards et al. 2015 PMID: 25741868, with internal and published modifications).

NM_152564.5(VPS13B):c.4989C>A (p.Pro1663=)

Gene: VPS13B (vacuolar protein sorting 13 homolog B; plus strand). Cytogenetic location: 8q22.2.
Variant type: single nucleotide variant.
Coding change: c.4989C>A on transcript NM_152564.5 (MANE Select); coding-DNA position 4989, C replaced by A.
Protein change: p.Pro1663=; no amino-acid change (proline 1663 retained).
Molecular consequence: synonymous variant.
Genome position (GRCh38, 1-based): chr8:99,575,697, C>A. VCF-style: chr8-99575697-C-A. GRCh37 (hg19) VCF-style: chr8-100587925-C-A.
Other names: c.5064C>A, p.Pro1688= (NM_017890.5); c.4989C>A (NM_152564.4).
Identifiers: ClinVar variation 588636 (VCV000588636.82), dbSNP rs142380266, ClinGen allele CA4823713.